The following is an entry in ClinVar:

ClinVar aggregate classification (germline): Uncertain significance (1 of 4 stars; one submission).

Conditions:
Renal cell carcinoma. Identifiers: Orphanet 217071, MedGen C0007134, MeSH D002292, MONDO:0005086, HP:0005584.

gnomAD v4.1: 1 of 1,614,016 alleles (0.000062%); highest among the groups gnomAD compares: Non-Finnish European, 0.000085%; no homozygotes.

Submission:

Labcorp Genetics (formerly Invitae), Labcorp
Classification: Uncertain significance for Renal cell carcinoma. Last evaluated: 2025-02-02. Review status: criteria provided, single submitter. Criteria: Invitae Variant Classification Sherloc (09022015). Collection method: clinical testing. Allele origin: germline.
Comment: This sequence change replaces methionine, which is neutral and non-polar, with leucine, which is neutral and non-polar, at codon 669 of the MET protein (p.Met669Leu). This variant is not present in population databases (gnomAD no frequency). This variant has not been reported in the literature in individuals affected with MET-related conditions. Invitae Evidence Modeling of protein sequence and biophysical properties (such as structural, functional, and spatial information, amino acid conservation, physicochemical variation, residue mobility, and thermodynamic stability) indicates that this missense variant is not expected to disrupt MET protein function with a negative predictive value of 80%. In summary, the available evidence is currently insufficient to determine the role of this variant in disease. Therefore, it has been classified as a Variant of Uncertain Significance.

NM_000245.4(MET):c.2005A>T (p.Met669Leu)

Gene: MET (MET proto-oncogene, receptor tyrosine kinase; plus strand). Cytogenetic location: 7q31.2.
Variant type: single nucleotide variant.
Coding change: c.2005A>T on transcript NM_000245.4 (MANE Select); coding-DNA position 2005, A replaced by T.
Protein change: p.Met669Leu; replaces methionine 669 with leucine.
Molecular consequence: missense variant.
Genome position (GRCh38, 1-based): chr7:116,757,677, A>T. VCF-style: chr7-116757677-A-T. GRCh37 (hg19) VCF-style: chr7-116397731-A-T.
Other names: c.2005A>T, p.Met669Leu (NM_001127500.3, NM_001324401.3); c.715A>T, p.Met239Leu (NM_001324402.2); short protein forms M669L, M239L.
Identifiers: ClinVar variation 3666320 (VCV003666320.2).